The following is an entry in ClinVar:

NM_020686.6(ABAT):c.1367T>C (p.Ile456Thr)

Gene: ABAT (4-aminobutyrate aminotransferase; plus strand). Cytogenetic location: 16p13.2.
Variant type: single nucleotide variant.
Coding change: c.1367T>C on transcript NM_020686.6 (MANE Select); coding-DNA position 1367, T replaced by C.
Protein change: p.Ile456Thr; replaces isoleucine 456 with threonine.
Molecular consequence: missense variant. On other transcripts: intron variant (1).
Genome position (GRCh38, 1-based): chr16:8,779,576, T>C. VCF-style: chr16-8779576-T-C. GRCh37 (hg19) VCF-style: chr16-8873433-T-C.
Other names: c.1367T>C, p.Ile456Thr (NM_000663.5, NM_001127448.2, NM_001386600.1 and 5 more transcripts); c.1328T>C, p.Ile443Thr (NM_001386605.1); c.1304T>C, p.Ile435Thr (NM_001386606.1, NM_001386607.1); c.1274T>C, p.Ile425Thr (NM_001386608.1); c.1232T>C, p.Ile411Thr (NM_001386610.1, NM_001386611.1); c.1169T>C, p.Ile390Thr (NM_001386612.1, NM_001386613.1); c.1121T>C, p.Ile374Thr (NM_001386614.1); c.1463T>C, p.Ile488Thr (NM_001386615.1); and 1 more; short protein forms I425T, I443T, I456T, I374T, I390T, I411T, I488T, I435T.
Identifiers: ClinVar variation 1925488 (VCV001925488.5), dbSNP rs1242175863, ClinGen allele CA394690724.

ClinVar aggregate classification (germline): Uncertain significance (1 of 4 stars; one submission).

Conditions:
Gamma-aminobutyric acid transaminase deficiency (GABATD). Also called: GABA aminotransaminase deficiency; GABA transaminase deficiency; Gamma aminobutyrate transaminase deficiency; 4 alpha aminobutyrate transaminase deficiency. Identifiers: Orphanet 2066, MedGen C0342708, MONDO:0013166, OMIM 613163.

Submission:

Labcorp Genetics (formerly Invitae), Labcorp
Classification: Uncertain significance for Gamma-aminobutyric acid transaminase deficiency. Last evaluated: 2022-05-25. Review status: criteria provided, single submitter. Criteria: Invitae Variant Classification Sherloc (09022015). Collection method: clinical testing. Allele origin: germline.
Comment: This sequence change replaces isoleucine, which is neutral and non-polar, with threonine, which is neutral and polar, at codon 456 of the ABAT protein (p.Ile456Thr). In summary, the available evidence is currently insufficient to determine the role of this variant in disease. Therefore, it has been classified as a Variant of Uncertain Significance. Algorithms developed to predict the effect of missense changes on protein structure and function output the following: SIFT: "Tolerated"; PolyPhen-2: "Benign"; Align-GVGD: "Class C0". The threonine amino acid residue is found in multiple mammalian species, which suggests that this missense change does not adversely affect protein function. This variant has not been reported in the literature in individuals affected with ABAT-related conditions. This variant is not present in population databases (gnomAD no frequency).